The following is an entry in ClinVar:

ClinVar aggregate classification (germline): Uncertain significance (1 of 4 stars; one submission).

Submission:

GeneDx
Classification: Uncertain significance. Last evaluated: 2023-01-10. Review status: criteria provided, single submitter. Criteria: GeneDx Variant Classification Process June 2021. Collection method: clinical testing. Allele origin: germline. Affected: yes.
Comment: Not observed at significant frequency in large population cohorts (gnomAD); In silico analysis supports that this missense variant has a deleterious effect on protein structure/function; Has not been previously published as pathogenic or benign to our knowledge

NM_182961.4(SYNE1):c.1181C>A (p.Ser394Tyr)

Gene: SYNE1 (spectrin repeat containing nuclear envelope protein 1; minus strand). Cytogenetic location: 6q25.2.
Variant type: single nucleotide variant.
Coding change: c.1181C>A on transcript NM_182961.4 (MANE Select); coding-DNA position 1181, C replaced by A.
Protein change: p.Ser394Tyr; replaces serine 394 with tyrosine.
Molecular consequence: missense variant.
Genome position (GRCh38, 1-based): chr6:152,484,839, G>T on the plus strand (C>A on the coding strand, the complement: SYNE1 is on the minus strand). VCF-style: chr6-152484839-G-T. GRCh37 (hg19) VCF-style: chr6-152805974-G-T.
Other names: c.1202C>A, p.Ser401Tyr (NM_033071.5); short protein forms S394Y, S401Y.
Identifiers: ClinVar variation 2571991 (VCV002571991.1), dbSNP rs2505830815, ClinGen allele CA366141366.